The following is an entry in ClinVar:

ClinVar aggregate classification (germline): Uncertain significance. Review status: criteria provided, multiple submitters, no conflicts (2 of 4 stars). 2 submissions from 2 submitters: Uncertain significance (2). Last evaluated 2026-06-20.

Conditions:
Ehlers-Danlos syndrome, musculocontractural type (EDSMC). Also called: Adducted thumb, clubfoot, progressive joint and skin laxity syndrome; DUNDAR SYNDROME; ADDUCTED THUMB-CLUBFOOT SYNDROME; ARTHROGRYPOSIS, DISTAL, WITH PECULIAR FACIES AND HYDRONEPHROSIS. Identifiers: Orphanet 2953, MedGen C1866294, MONDO:0011142.
Cardiovascular phenotype. Identifiers: MedGen CN230736.

Allele frequency attached by ClinVar (database versions not stated): TOPMed 0.00001; gnomAD 0.00001.

Submissions (2):

Ambry Genetics
Classification: Uncertain significance for Cardiovascular phenotype. Last evaluated: 2026-06-20. Review status: criteria provided, single submitter. Criteria: Ambry Variant Classification Scheme 2023. Collection method: clinical testing. Allele origin: germline.
Comment: The p.M44V variant (also known as c.130A>G), located in coding exon 1 of the CHST14 gene, results from an A to G substitution at nucleotide position 130. The methionine at codon 44 is replaced by valine, an amino acid with highly similar properties. This amino acid position is conserved. In addition, this alteration is predicted to be tolerated by in silico analysis. Based on the available evidence, the clinical significance of this variant remains unclear.

Labcorp Genetics (formerly Invitae), Labcorp
Classification: Uncertain significance for Ehlers-Danlos syndrome, musculocontractural type. Last evaluated: 2018-04-27. Review status: criteria provided, single submitter. Criteria: Invitae Variant Classification Sherloc (09022015). Collection method: clinical testing. Allele origin: germline.
Comment: In summary, the available evidence is currently insufficient to determine the role of this variant in disease. Therefore, it has been classified as a Variant of Uncertain Significance. Algorithms developed to predict the effect of missense changes on protein structure and function (SIFT, PolyPhen-2, Align-GVGD) all suggest that this variant is likely to be tolerated, but these predictions have not been confirmed by published functional studies and their clinical significance is uncertain. This variant has not been reported in the literature in individuals with CHST14-related disease. While this variant is not present in population databases, the frequency information is unreliable, as metrics indicate poor data quality at this position in the ExAC database. This sequence change replaces methionine with valine at codon 44 of the CHST14 protein (p.Met44Val). The methionine residue is moderately conserved and there is a small physicochemical difference between methionine and valine.

NM_130468.4(CHST14):c.130A>G (p.Met44Val)

Genes: CHST14 (carbohydrate sulfotransferase 14; plus strand), LOC130056851 (ATAC-STARR-seq lymphoblastoid silent region 6336; plus strand). Cytogenetic location: 15q15.1.
Variant type: single nucleotide variant.
Coding change: c.130A>G on transcript NM_130468.4 (MANE Select); coding-DNA position 130, A replaced by G.
Protein change: p.Met44Val; replaces methionine 44 with valine.
Molecular consequence: missense variant.
Genome position (GRCh38, 1-based): chr15:40,471,343, A>G. VCF-style: chr15-40471343-A-G. GRCh37 (hg19) VCF-style: chr15-40763542-A-G.
Other names: short protein forms M44V.
Identifiers: ClinVar variation 579161 (VCV000579161.10), dbSNP rs1043447552, ClinGen allele CA268822132.
Genomic context (GRCh38, chr15:40,471,343, plus strand): 5'-CGGGCCCCTCTGGGCAGGGCCCGGGCGGGGCTGGGTGGGCCGCCCCTGCTGCTGCCGTCC[A>G]TGCTGATGTTTGCGGTGATCGTGGCCTCCAGCGGGCTGCTGCTCATGATCGAGCGGGGCA-3'
Protein context (NP_569735.1, residues 34-54): LGGPPLLLPS[Met44Val]LMFAVIVASS